The following is an entry in ClinVar:

ClinVar aggregate classification (germline): Uncertain significance. Review status: criteria provided, multiple submitters, no conflicts (2 of 4 stars). 2 submissions from 2 submitters: Uncertain significance (2). Last evaluated 2024-05-09.

Conditions:
Intellectual developmental disorder, X-linked, syndromic, Turner type. Also called: X-linked intellectual disability, Turner type; Intellectual disability, X-linked syndromic, Turner type. Identifiers: Orphanet 3056, Orphanet 85328, MedGen C2678046, MONDO:0010407, OMIM 309590.

Submissions (2):

GeneDx
Classification: Uncertain significance. Last evaluated: 2024-05-09. Review status: criteria provided, single submitter. Criteria: GeneDx Variant Classification Process June 2021. Collection method: clinical testing. Allele origin: germline. Affected: yes.
Comment: Has not been previously published as pathogenic or benign to our knowledge; Not observed at significant frequency in large population cohorts (gnomAD); In silico analysis indicates that this missense variant does not alter protein structure/function

Revvity Omics, Revvity
Classification: Uncertain significance for Intellectual developmental disorder, X-linked, syndromic, Turner type. Last evaluated: 2022-08-04. Review status: criteria provided, single submitter. Criteria: ACMG Guidelines, 2015. Collection method: clinical testing. Allele origin: germline.

NM_031407.7(HUWE1):c.10237G>A (p.Val3413Met)

Gene: HUWE1 (HECT, UBA and WWE domain containing E3 ubiquitin protein ligase 1; minus strand). Cytogenetic location: Xp11.22.
Variant type: single nucleotide variant.
Coding change: c.10237G>A on transcript NM_031407.7 (MANE Select); coding-DNA position 10237, G replaced by A.
Protein change: p.Val3413Met; replaces valine 3413 with methionine.
Molecular consequence: missense variant.
Genome position (GRCh38, 1-based): chrX:53,548,072, C>T on the plus strand (G>A on the coding strand, the complement: HUWE1 is on the minus strand). VCF-style: chrX-53548072-C-T. GRCh37 (hg19) VCF-style: chrX-53575033-C-T.
Other names: c.10237G>A (NM_031407.4); short protein forms V3413M.
Identifiers: ClinVar variation 2432665 (VCV002432665.4), dbSNP rs2061621222, ClinGen allele CA413136274.